The following is an entry in ClinVar:

ClinVar aggregate classification (germline): Uncertain significance (1 of 4 stars; one submission).

Submission:

Labcorp Genetics (formerly Invitae), Labcorp
Classification: Uncertain significance. Last evaluated: 2025-08-02. Review status: criteria provided, single submitter. Criteria: Invitae Variant Classification Sherloc (09022015). Collection method: clinical testing. Allele origin: germline.
Comment: This sequence change replaces leucine, which is neutral and non-polar, with tryptophan, which is neutral and slightly polar, at codon 9 of the POLD2 protein (p.Leu9Trp). This variant is not present in population databases (gnomAD no frequency). This variant has not been reported in the literature in individuals affected with POLD2-related conditions. ClinVar contains an entry for this variant (Variation ID: 3651559). Experimental studies and prediction algorithms are not available or were not evaluated, and the functional significance of this variant is currently unknown. In summary, the available evidence is currently insufficient to determine the role of this variant in disease. Therefore, it has been classified as a Variant of Uncertain Significance.

NM_006230.4(POLD2):c.-80T>G

Gene: POLD2 (DNA polymerase delta 2, accessory subunit; minus strand). Cytogenetic location: 7p13.
Variant type: single nucleotide variant.
Coding change: c.-80T>G on transcript NM_006230.4 (MANE Select); 80 bases upstream of the start codon, T replaced by G.
Molecular consequence: 5 prime UTR variant.
Genome position (GRCh38, 1-based): chr7:44,123,534, A>C on the plus strand (T>G on the coding strand, the complement: POLD2 is on the minus strand). VCF-style: chr7-44123534-A-C. GRCh37 (hg19) VCF-style: chr7-44163133-A-C.
Other names: c.-253T>G (NM_001127218.3); c.-676T>G (NM_001256879.2).
Identifiers: ClinVar variation 3651559 (VCV003651559.2).